The following is an entry in ClinVar:

NM_020843.4(SCAPER):c.3971C>T (p.Ala1324Val)

Gene: SCAPER (S-phase cyclin A associated protein in the ER; minus strand). Cytogenetic location: 15q24.3.
Variant type: single nucleotide variant.
Coding change: c.3971C>T on transcript NM_020843.4 (MANE Select); coding-DNA position 3971, C replaced by T.
Protein change: p.Ala1324Val; replaces alanine 1324 with valine.
Molecular consequence: missense variant. On other transcripts: non-coding transcript variant (1).
Genome position (GRCh38, 1-based): chr15:76,354,025, G>A on the plus strand (C>T on the coding strand, the complement: SCAPER is on the minus strand). VCF-style: chr15-76354025-G-A. GRCh37 (hg19) VCF-style: chr15-76646366-G-A.
Other names: c.3233C>T, p.Ala1078Val (NM_001145923.2); c.3989C>T, p.Ala1330Val (NM_001353009.2); c.3569C>T, p.Ala1190Val (NM_001353010.2, NM_001353012.2); c.3587C>T, p.Ala1196Val (NM_001353011.2); short protein forms A1078V, A1190V, A1324V, A1330V, A1196V.
Identifiers: ClinVar variation 4984567 (VCV004984567.1).

ClinVar aggregate classification (germline): Uncertain significance (1 of 4 stars; one submission).

Conditions:
SCAPER-related disorder. Also called: SCAPER-related condition.

gnomAD v4.1: 22 of 1,607,480 alleles (0.0014%); highest among the groups gnomAD compares: Non-Finnish European, 0.0019%; no homozygotes.

Submission:

PreventionGenetics, part of Exact Sciences
Classification: Uncertain significance for SCAPER-related condition. Last evaluated: 2025-08-25. Review status: criteria provided, single submitter. Criteria: ACMG Guidelines, 2015. Collection method: clinical testing. Allele origin: germline.
Comment: The SCAPER c.3989C>T variant is predicted to result in the amino acid substitution p.Ala1330Val. To our knowledge, this variant has not been reported in the literature or in a large population database (gnomAD), indicating this variant is rare. At this time, the clinical significance of this variant is uncertain due to the absence of conclusive functional and genetic evidence.